The following is an entry in ClinVar:

ClinVar aggregate classification (germline): Pathogenic (1 of 4 stars; one submission).

Conditions:
Cornelia de Lange syndrome 1 (CDLS1). Also called: Brachmann de Lange syndrome; TYPUS DEGENERATIVUS AMSTELODAMENSIS; NIPBL-Related Cornelia de Lange Syndrome. Identifiers: Orphanet 199, MedGen C4551851, MONDO:0007387, OMIM 122470.

Submission:

Labcorp Genetics (formerly Invitae), Labcorp
Classification: Pathogenic for Cornelia de Lange syndrome 1. Last evaluated: 2017-02-08. Review status: criteria provided, single submitter. Criteria: Invitae Variant Classification Sherloc (09022015). Collection method: clinical testing. Allele origin: germline.
Comment: For these reasons, this variant has been classified as Pathogenic. While this particular deletion has not been reported in the literature, loss-of-function variants, including gross deletions, in NIPBL are known to be pathogenic (PMID: 24038889). This variant is an out-of-frame deletion of the genomic region encompassing exon 34 of the NIPBL gene. This creates a premature translational stop signal and is expected to result in an absent or disrupted protein product.

Literature cited by the submitters: PubMed 24038889.

NC_000005.10:g.(?_37038582)_(37038758_?)del

Gene: NIPBL (NIPBL cohesin loading factor; plus strand). Cytogenetic location: 5p13.2.
Variant type: Deletion.
Identifiers: ClinVar variation 476580 (VCV000476580.7).